The following is an entry in ClinVar:

ClinVar aggregate classification (germline): Uncertain significance (1 of 4 stars; one submission).

Allele frequency attached by ClinVar (database versions not stated): TOPMed 0.00005; ExAC 0.00008; gnomAD exomes 0.00008.

Submission:

Labcorp Genetics (formerly Invitae), Labcorp
Classification: Uncertain significance. Last evaluated: 2025-07-10. Review status: criteria provided, single submitter. Criteria: Invitae Variant Classification Sherloc (09022015). Collection method: clinical testing. Allele origin: germline.
Comment: This sequence change replaces leucine, which is neutral and non-polar, with proline, which is neutral and non-polar, at codon 188 of the ROM1 protein (p.Leu188Pro). This variant is present in population databases (rs747518293, gnomAD 0.06%), and has an allele count higher than expected for a pathogenic variant. This variant has not been reported in the literature in individuals affected with ROM1-related conditions. ClinVar contains an entry for this variant (Variation ID: 948160). Invitae Evidence Modeling of protein sequence and biophysical properties (such as structural, functional, and spatial information, amino acid conservation, physicochemical variation, residue mobility, and thermodynamic stability) indicates that this missense variant is not expected to disrupt ROM1 protein function with a negative predictive value of 80%. Experimental studies have shown that this missense change affects ROM1 function (PMID: 11297544). In summary, the available evidence is currently insufficient to determine the role of this variant in disease. Therefore, it has been classified as a Variant of Uncertain Significance.

Literature cited by the submitters: PubMed 11297544.

NM_000327.4(ROM1):c.563T>C (p.Leu188Pro)

Gene: ROM1 (retinal outer segment membrane protein 1; plus strand). Cytogenetic location: 11q12.3.
Variant type: single nucleotide variant.
Coding change: c.563T>C on transcript NM_000327.4 (MANE Select); coding-DNA position 563, T replaced by C.
Protein change: p.Leu188Pro; replaces leucine 188 with proline.
Molecular consequence: missense variant.
Genome position (GRCh38, 1-based): chr11:62,613,844, T>C. VCF-style: chr11-62613844-T-C. GRCh37 (hg19) VCF-style: chr11-62381316-T-C.
Other names: short protein forms L188P.
Identifiers: ClinVar variation 948160 (VCV000948160.9), dbSNP rs747518293, ClinGen allele CA6049765.